The following is an entry in ClinVar:

NM_000138.5(FBN1):c.422T>C (p.Ile141Thr)

Gene: FBN1 (fibrillin 1; minus strand). Cytogenetic location: 15q21.1.
Variant type: single nucleotide variant.
Coding change: c.422T>C on transcript NM_000138.5 (MANE Select); coding-DNA position 422, T replaced by C.
Protein change: p.Ile141Thr; replaces isoleucine 141 with threonine.
Molecular consequence: missense variant.
Genome position (GRCh38, 1-based): chr15:48,600,159, A>G on the plus strand (T>C on the coding strand, the complement: FBN1 is on the minus strand). VCF-style: chr15-48600159-A-G. GRCh37 (hg19) VCF-style: chr15-48892356-A-G.
Other names: c.422T>C, p.Ile141Thr (NM_001406716.1, NM_001406717.1); short protein forms I141T.
Identifiers: ClinVar variation 2773403 (VCV002773403.4), dbSNP rs2505760965, ClinGen allele CA392446472.

ClinVar aggregate classification (germline): Uncertain significance. Review status: criteria provided, multiple submitters, no conflicts (2 of 4 stars). 3 submissions from 3 submitters: Uncertain significance (3). Last evaluated 2026-02-19.

Conditions:
Marfan syndrome (MFS). Also called: FBN1-Related Marfan Syndrome; MARFAN SYNDROME, TYPE I; Marfan syndrome type 1; Marfan's syndrome; Marfan syndrome, classic. Identifiers: Orphanet 284963, Orphanet 558, MedGen C0024796, MONDO:0007947, OMIM 154700.
Familial thoracic aortic aneurysm and aortic dissection (TAAD). Also called: Thoracic aortic aneurysms and dissections. Identifiers: Orphanet 91387, MedGen C4707243, MONDO:0019625.

gnomAD v4.1: 1 of 1,613,082 alleles (0.000062%); no homozygotes.

Submissions (3):

Ambry Genetics
Classification: Uncertain significance for Familial thoracic aortic aneurysm and aortic dissection. Last evaluated: 2026-02-19. Review status: criteria provided, single submitter. Criteria: Ambry Variant Classification Scheme 2023. Collection method: clinical testing. Allele origin: germline.
Comment: The p.I141T variant (also known as c.422T>C), located in coding exon 4 of the FBN1 gene, results from a T to C substitution at nucleotide position 422. The isoleucine at codon 141 is replaced by threonine, an amino acid with similar properties. This amino acid position is conserved. In addition, this alteration is predicted to be tolerated by in silico analysis. Based on the available evidence, the clinical significance of this variant remains unclear.

Labcorp Genetics (formerly Invitae), Labcorp
Classification: Uncertain significance for Marfan syndrome; Familial thoracic aortic aneurysm and aortic dissection. Last evaluated: 2025-09-22. Review status: criteria provided, single submitter. Criteria: Invitae Variant Classification Sherloc (09022015). Collection method: clinical testing. Allele origin: germline.
Comment: This sequence change replaces isoleucine, which is neutral and non-polar, with threonine, which is neutral and polar, at codon 141 of the FBN1 protein (p.Ile141Thr). This variant is not present in population databases (gnomAD no frequency). This variant has not been reported in the literature in individuals affected with FBN1-related conditions. ClinVar contains an entry for this variant (Variation ID: 2773403). Invitae Evidence Modeling of protein sequence and biophysical properties (such as structural, functional, and spatial information, amino acid conservation, physicochemical variation, residue mobility, and thermodynamic stability) indicates that this missense variant is not expected to disrupt FBN1 protein function with a negative predictive value of 95%. In summary, the available evidence is currently insufficient to determine the role of this variant in disease. Therefore, it has been classified as a Variant of Uncertain Significance.

Color Diagnostics, LLC DBA Color Health
Classification: Uncertain significance for Familial thoracic aortic aneurysm and aortic dissection. Last evaluated: 2024-03-06. Review status: criteria provided, single submitter. Criteria: ACMG Guidelines, 2015. Collection method: clinical testing. Allele origin: germline.
Comment: This missense variant replaces isoleucine with threonine at codon 141 of the FBN1 protein. Computational prediction suggests that this variant may not impact protein structure and function (internally defined REVEL score threshold <= 0.5, PMID: 27666373). To our knowledge, functional studies have not been reported for this variant. This variant has not been reported in individuals affected with cardiovascular disorders in the literature. This variant has not been identified in the general population by the Genome Aggregation Database (gnomAD). The available evidence is insufficient to determine the role of this variant in disease conclusively. Therefore, this variant is classified as a Variant of Uncertain Significance.